The following is an entry in ClinVar:

ClinVar aggregate classification (germline): Conflicting classifications of pathogenicity. Review status: criteria provided, conflicting classifications (1 of 4 stars). 2 submissions from 2 submitters: Likely pathogenic (1); Uncertain significance (1). Last evaluated 2024-09-26.

Conditions:
Hereditary cancer-predisposing syndrome. Also called: Hereditary Cancer Syndrome; Neoplastic Syndromes, Hereditary; Tumor predisposition; Hereditary neoplastic syndrome. Identifiers: Orphanet 140162, MedGen C0027672, MeSH D009386, MONDO:0015356.
Familial cancer of breast. Also called: Hereditary breast cancer; BREAST CANCER, FAMILIAL; hereditary breast carcinoma. Identifiers: Orphanet 227535, MedGen C0346153, MONDO:0016419, OMIM 114480. Disease mechanism: loss of function.

Submissions (2):

Molecular Diagnostics Laboratory, Catalan Institute of Oncology
Classification: Likely pathogenic for Hereditary cancer-predisposing syndrome. Last evaluated: 2024-09-26. Review status: criteria provided, single submitter. Criteria: ClinGen ACMG Specifications PALB2 V1.0.0. Collection method: clinical testing. Allele origin: germline.
Comment: PVS1 (RNA), PM2_Supporting PALB2 c.3202-9C>A is an intronic variant located close to a canonical splice site. An internal RNA assay in cultured lymphocytes from a carrier patient in the presence of NMD-inhibition was performed, and showed two transcripts: the retention of the last 7 bp of intron 11 (r.3201_3202ins3202-7_3202-1), generating a translational frameshift (p.Gly1068Lysfs*18), not present in controls; and exon 12 skipping (r.3202_3350del; p.Gly1068Valfs*5), which was also present at a lower proportion in the controls analyzed. Quantification of transcript proportions using a tag-SNP could not be performed. Since transcript r.3201_3202ins3202-7_3202-1 was present only in the patient sample and apparently at the same proportion as the full-length, PVS1 (RNA) was applied (unpublished data). It is not present in the population database gnomAD v2.1.1, non cancer dataset (PM2_supporting). The SpliceAI algorithm predicts a reduction in the usage of the canonical splice site ( AcceptorLoss deltascore: 0.44). To our knowledge, neither clinical data nor functional studies have been reported for this variant. This variant has only been reported once in ClinVar, as an uncertain significance variant. Based on currently available information, c.3202-9C>A is classified as a likely pathogenic variant.

Labcorp Genetics (formerly Invitae), Labcorp
Classification: Uncertain significance for Familial cancer of breast. Last evaluated: 2024-03-27. Review status: criteria provided, single submitter. Criteria: Invitae Variant Classification Sherloc (09022015). Collection method: clinical testing. Allele origin: germline.
Comment: This sequence change falls in intron 11 of the PALB2 gene. It does not directly change the encoded amino acid sequence of the PALB2 protein. RNA analysis indicates that this variant induces altered splicing and may result in an absent or disrupted protein product. This variant is not present in population databases (gnomAD no frequency). This variant has not been reported in the literature in individuals affected with PALB2-related conditions. ClinVar contains an entry for this variant (Variation ID: 1973652). Studies have shown that this variant results in activation of cryptic splice site and introduces a premature termination codon (Invitae). The resulting mRNA is expected to undergo nonsense-mediated decay. In summary, the available evidence is currently insufficient to determine the role of this variant in disease. Therefore, it has been classified as a Variant of Uncertain Significance.

NM_024675.4(PALB2):c.3202-9C>A

Gene: PALB2 (partner and localizer of BRCA2; minus strand). Cytogenetic location: 16p12.2.
Variant type: single nucleotide variant.
Coding change: c.3202-9C>A on transcript NM_024675.4 (MANE Select); 9 bases into the intron before coding-DNA position 3202, C replaced by A.
Molecular consequence: intron variant.
Genome position (GRCh38, 1-based): chr16:23,608,021, G>T on the plus strand (C>A on the coding strand, the complement: PALB2 is on the minus strand). VCF-style: chr16-23608021-G-T. GRCh37 (hg19) VCF-style: chr16-23619342-G-T.
Identifiers: ClinVar variation 1973652 (VCV001973652.6), dbSNP rs757444247, ClinGen allele CA2213428981.